The following is an entry in ClinVar:

ClinVar aggregate classification (germline): Uncertain significance (1 of 4 stars; one submission).

Allele frequency attached by ClinVar (database versions not stated): gnomAD exomes 0.00001; TOPMed 0.00001.
gnomAD v4.1: 8 of 1,565,534 alleles (0.00051%); highest among the groups gnomAD compares: Admixed American, 0.0039%; no homozygotes.

Submission:

Labcorp Genetics (formerly Invitae), Labcorp
Classification: Uncertain significance. Last evaluated: 2023-07-17. Review status: criteria provided, single submitter. Criteria: Invitae Variant Classification Sherloc (09022015). Collection method: clinical testing. Allele origin: germline.
Comment: This sequence change replaces histidine with glutamine at codon 2228 of the CEP250 protein (p.His2228Gln). The histidine residue is weakly conserved and there is a small physicochemical difference between histidine and glutamine. This variant is present in population databases (no rsID available, gnomAD 0.004%). This variant has not been reported in the literature in individuals affected with CEP250-related conditions. ClinVar contains an entry for this variant (Variation ID: 1463803). Algorithms developed to predict the effect of missense changes on protein structure and function output the following: SIFT: "Not Available"; PolyPhen-2: "Benign"; Align-GVGD: "Not Available". The glutamine amino acid residue is found in multiple mammalian species, which suggests that this missense change does not adversely affect protein function. In summary, the available evidence is currently insufficient to determine the role of this variant in disease. Therefore, it has been classified as a Variant of Uncertain Significance.

NM_007186.6(CEP250):c.6684C>G (p.His2228Gln)

Gene: CEP250 (centrosomal protein 250; plus strand). Cytogenetic location: 20q11.22.
Variant type: single nucleotide variant.
Coding change: c.6684C>G on transcript NM_007186.6 (MANE Select); coding-DNA position 6684, C replaced by G.
Protein change: p.His2228Gln; replaces histidine 2228 with glutamine.
Molecular consequence: missense variant.
Genome position (GRCh38, 1-based): chr20:35,507,785, C>G. VCF-style: chr20-35507785-C-G. GRCh37 (hg19) VCF-style: chr20-34095614-C-G.
Other names: c.4788C>G, p.His1596Gln (NM_001318219.1); short protein forms H1596Q, H2228Q.
Identifiers: ClinVar variation 1463803 (VCV001463803.8), dbSNP rs1179460799, ClinGen allele CA408759467.